The following is an entry in ClinVar:

NM_002734.5(PRKAR1A):c.111G>T (p.Gln37His)

Gene: PRKAR1A (protein kinase cAMP-dependent type I regulatory subunit alpha; plus strand). Cytogenetic location: 17q24.2.
Variant type: single nucleotide variant.
Coding change: c.111G>T on transcript NM_002734.5 (MANE Select); coding-DNA position 111, G replaced by T.
Protein change: p.Gln37His; replaces glutamine 37 with histidine.
Molecular consequence: missense variant.
Genome position (GRCh38, 1-based): chr17:68,515,510, G>T. VCF-style: chr17-68515510-G-T. GRCh37 (hg19) VCF-style: chr17-66511651-G-T.
Other names: c.111G>T, p.Gln37His (NM_001276289.2, NM_001276290.1, NM_001278433.2 and 4 more transcripts); short protein forms Q37H.
Identifiers: ClinVar variation 2732670 (VCV002732670.3), dbSNP rs750036578, ClinGen allele CA400751990.

ClinVar aggregate classification (germline): Uncertain significance (1 of 4 stars; one submission).

Conditions:
Carney complex, type 1 (CNC1). Also called: CARNEY COMPLEX, TYPE I; CARNEY MYXOMA-ENDOCRINE COMPLEX. Identifiers: Orphanet 1359, MedGen C2607929, MONDO:0008057, OMIM 160980.

Submission:

Labcorp Genetics (formerly Invitae), Labcorp
Classification: Uncertain significance for Carney complex, type 1. Last evaluated: 2023-09-01. Review status: criteria provided, single submitter. Criteria: Invitae Variant Classification Sherloc (09022015). Collection method: clinical testing. Allele origin: germline.
Comment: An algorithm developed to predict the effect of missense changes on protein structure and function (PolyPhen-2) suggests that this variant is likely to be tolerated. This variant has not been reported in the literature in individuals affected with PRKAR1A-related conditions. This variant is not present in population databases (gnomAD no frequency). This sequence change replaces glutamine, which is neutral and polar, with histidine, which is basic and polar, at codon 37 of the PRKAR1A protein (p.Gln37His). In summary, the available evidence is currently insufficient to determine the role of this variant in disease. Therefore, it has been classified as a Variant of Uncertain Significance.